The following is an entry in ClinVar:

NM_001875.5(CPS1):c.3953T>A (p.Leu1318Ter)

Gene: CPS1 (carbamoyl-phosphate synthase 1; plus strand). Cytogenetic location: 2q34.
Variant type: single nucleotide variant.
Coding change: c.3953T>A on transcript NM_001875.5 (MANE Select); coding-DNA position 3953, T replaced by A.
Protein change: p.Leu1318Ter; replaces leucine 1318 with a stop codon.
Molecular consequence: nonsense. On other transcripts: non-coding transcript variant (2).
Genome position (GRCh38, 1-based): chr2:210,663,148, T>A. VCF-style: chr2-210663148-T-A. GRCh37 (hg19) VCF-style: chr2-211527872-T-A.
Other names: c.3953T>A, p.Leu1318Ter (NM_001122633.3, NM_001369257.1); c.3986T>A, p.Leu1329Ter (NM_001369256.1); short protein forms L1318*, L1329*.
Identifiers: ClinVar variation 997859 (VCV000997859.7), dbSNP rs1700979727, ClinGen allele CA350439297.
Genomic context (GRCh38, chr2:210,663,148, plus strand): 5'-ATAATTTTTCTCCCTGTTTTTTTTTTTTCCAACAGGCTCCCATGTTTTCCTGGCCCCGGT[T>A]GAGGGATGCTGACCCCATTCTGAGATGTGAGATGGCTTCCACTGGAGAGGTAACTAGTTA-3'

ClinVar aggregate classification (germline): Pathogenic. Review status: criteria provided, multiple submitters, no conflicts (2 of 4 stars). 4 submissions from 4 submitters: Pathogenic (4). Last evaluated 2025-06-28.

Conditions:
Pulmonary hypertension, neonatal, susceptibility to (PHN). Identifiers: MedGen C3714958, MONDO:0014151, OMIM 615371.
Congenital hyperammonemia, type I. Also called: CPS I DEFICIENCY; Carbamoyl phosphate synthetase 1 deficiency; Hyperammonemia due to carbamoyl phosphate synthetase 1 deficiency; CPS 1 deficiency; Carbamyl phosphate synthetase (CPS) deficiency; Carbamoyl phosphate synthetase I deficiency disease. Identifiers: Orphanet 147, MedGen C4082171, MONDO:0009376, OMIM 237300.

Submissions (4):

Immunogenetics and Transplant Biology Service, University Hospital "Città della Salute e della Scienza di Torino"
Classification: Pathogenic for Congenital hyperammonemia, type I. Last evaluated: 2025-06-28. Review status: criteria provided, single submitter. Criteria: ACMG Guidelines, 2015. Collection method: clinical testing. Allele origin: germline. Affected: yes.

Fulgent Genetics
Classification: Pathogenic for Congenital hyperammonemia, type I; Pulmonary hypertension, neonatal, susceptibility to. Last evaluated: 2024-01-10. Review status: criteria provided, single submitter. Criteria: ACMG Guidelines, 2015. Collection method: clinical testing. Allele origin: germline.

Labcorp Genetics (formerly Invitae), Labcorp
Classification: Pathogenic for Congenital hyperammonemia, type I. Last evaluated: 2023-10-23. Review status: criteria provided, single submitter. Criteria: Invitae Variant Classification Sherloc (09022015). Collection method: clinical testing. Allele origin: germline.
Comment: This sequence change creates a premature translational stop signal (p.Leu1318*) in the CPS1 gene. It is expected to result in an absent or disrupted protein product. Loss-of-function variants in CPS1 are known to be pathogenic (PMID: 21120950). This variant is not present in population databases (gnomAD no frequency). This premature translational stop signal has been observed in individual(s) with clinical features of carbamoyl phosphate synthetase I deficiency (PMID: 22173106). ClinVar contains an entry for this variant (Variation ID: 997859). For these reasons, this variant has been classified as Pathogenic.

Women's Health and Genetics/Laboratory Corporation of America, LabCorp
Classification: Pathogenic for Congenital hyperammonemia, type I. Last evaluated: 2021-02-22. Review status: criteria provided, single submitter. Criteria: LabCorp Variant Classification Summary - May 2015. Collection method: clinical testing. Allele origin: germline.
Comment: Variant summary: CPS1 c.3953T>A (p.Leu1318X) results in a premature termination codon, predicted to cause a truncation of the encoded protein or absence of the protein due to nonsense mediated decay, which are commonly known mechanisms for disease. Truncations downstream of this position have been classified as pathogenic by our laboratory. The variant was absent in 251358 control chromosomes (gnomAD). c.3953T>A has been reported in the literature in individuals affected with Carbamoylphosphate Synthetase I Deficiency (Funghini_2012, Prota_2018). These data indicate that the variant is likely to be associated with disease. To our knowledge, no experimental evidence demonstrating an impact on protein function has been reported. No clinical diagnostic laboratories have submitted clinical-significance assessments for this variant to ClinVar after 2014. Based on the evidence outlined above, the variant was classified as pathogenic.

Literature cited by the submitters: PubMed 21120950 (cited by Labcorp Genetics (formerly Invitae), Labcorp); PubMed 22173106 (cited by Labcorp Genetics (formerly Invitae), Labcorp and Women's Health and Genetics/Laboratory Corporation of America, LabCorp); PubMed 31507628 (cited by Women's Health and Genetics/Laboratory Corporation of America, LabCorp); PubMed 29888426 (cited by Women's Health and Genetics/Laboratory Corporation of America, LabCorp).